The following is an entry in ClinVar:

ClinVar aggregate classification (germline): Uncertain significance. Review status: criteria provided, multiple submitters, no conflicts (2 of 4 stars). 2 submissions from 2 submitters: Uncertain significance (2). Last evaluated 2024-12-16.

Allele frequency attached by ClinVar (database versions not stated): gnomAD 0.00001; TOPMed 0.00003; gnomAD exomes 0.00005 and 0.00004; ExAC 0.00006; ESP Exome Variant Server 0.00008.
gnomAD v4.1: 72 of 1,613,634 alleles (0.0045%); highest among the groups gnomAD compares: Non-Finnish European, 0.0054%; no homozygotes.

Submissions (2):

GeneDx
Classification: Uncertain significance. Last evaluated: 2024-12-16. Review status: criteria provided, single submitter. Criteria: GeneDx Variant Classification Process June 2021. Collection method: clinical testing. Allele origin: germline. Affected: yes.
Comment: Not observed at significant frequency in large population cohorts (gnomAD); In silico analysis indicates that this missense variant does not alter protein structure/function; Has not been previously published as pathogenic or benign to our knowledge

Labcorp Genetics (formerly Invitae), Labcorp
Classification: Uncertain significance. Last evaluated: 2024-10-25. Review status: criteria provided, single submitter. Criteria: Invitae Variant Classification Sherloc (09022015). Collection method: clinical testing. Allele origin: germline.
Comment: This sequence change replaces alanine, which is neutral and non-polar, with valine, which is neutral and non-polar, at codon 38 of the TUFM protein (p.Ala38Val). This variant is present in population databases (rs373374645, gnomAD 0.006%). This variant has not been reported in the literature in individuals affected with TUFM-related conditions. ClinVar contains an entry for this variant (Variation ID: 1435345). An algorithm developed to predict the effect of missense changes on protein structure and function outputs the following: PolyPhen-2: "Benign". The valine amino acid residue is found in multiple mammalian species, which suggests that this missense change does not adversely affect protein function. In summary, the available evidence is currently insufficient to determine the role of this variant in disease. Therefore, it has been classified as a Variant of Uncertain Significance.

NM_003321.5(TUFM):c.113C>T (p.Ala38Val)

Gene: TUFM (Tu translation elongation factor, mitochondrial; minus strand). Cytogenetic location: 16p11.2.
Variant type: single nucleotide variant.
Coding change: c.113C>T on transcript NM_003321.5 (MANE Select); coding-DNA position 113, C replaced by T.
Protein change: p.Ala38Val; replaces alanine 38 with valine.
Molecular consequence: missense variant.
Genome position (GRCh38, 1-based): chr16:28,846,046, G>A on the plus strand (C>T on the coding strand, the complement: TUFM is on the minus strand). VCF-style: chr16-28846046-G-A. GRCh37 (hg19) VCF-style: chr16-28857367-G-A.
Other names: c.113C>T, p.Ala38Val (NM_001365360.2); c.113C>T (NM_003321.4); short protein forms A38V.
Identifiers: ClinVar variation 1435345 (VCV001435345.6), dbSNP rs373374645, ClinGen allele CA7985742.